The following is an entry in ClinVar:

ClinVar aggregate classification (germline): Uncertain significance. Review status: criteria provided, multiple submitters, no conflicts (2 of 4 stars). 3 submissions from 3 submitters: Uncertain significance (3). Last evaluated 2024-07-10.

Conditions:
Polycystic kidney disease, adult type (PKD1). Also called: Polycystic Kidney, Autosomal Dominant; POLYCYSTIC KIDNEY DISEASE 1 WITH OR WITHOUT POLYCYSTIC LIVER DISEASE; Polycystic Kidney Disease 1, Autosomal Dominant; Polycystic kidney disease 1; Polycystic kidney disease 1, severe; POLYCYSTIC KIDNEY DISEASE, ADULT, TYPE I. Identifiers: MedGen C3149841, MONDO:0008263, OMIM 173900.
Inborn genetic diseases. Identifiers: MedGen C0950123, MeSH D030342.

Allele frequency attached by ClinVar (database versions not stated): gnomAD exomes 0.00002; ESP Exome Variant Server 0.00008; TOPMed 0.00011; ExAC 0.00014; gnomAD 0.00014.
gnomAD v4.1: 50 of 1,601,334 alleles (0.0031%); highest among the groups gnomAD compares: African/African-American, 0.034%; no homozygotes.

Submissions (3):

Ambry Genetics
Classification: Uncertain significance for Inborn genetic diseases. Last evaluated: 2024-07-10. Review status: criteria provided, single submitter. Criteria: Ambry Variant Classification Scheme 2023. Collection method: clinical testing. Allele origin: germline.

Women's Health and Genetics/Laboratory Corporation of America, LabCorp
Classification: Uncertain significance. Last evaluated: 2024-02-06. Review status: criteria provided, single submitter. Criteria: LabCorp Variant Classification Summary - May 2015. Collection method: clinical testing. Allele origin: germline.
Comment: Variant summary: PKD1 c.2009C>T (p.Thr670Met) results in a non-conservative amino acid change located in the Polycystin cation channel (IPR006228) of the encoded protein sequence. Four of five in-silico tools predict a benign effect of the variant on protein function. The variant allele was found at a frequency of 6e-05 in 216356 control chromosomes (gnomAD). This frequency is not significantly higher than estimated for a pathogenic variant in PKD1 causing Polycystic Kidney Disease 1 (6e-05 vs 0.0005), allowing no conclusion about variant significance. To our knowledge, no occurrence of c.2009C>T in individuals affected with Polycystic Kidney Disease 1 and no experimental evidence demonstrating its impact on protein function have been reported. No submitters have cited clinical-significance assessments for this variant to ClinVar. Based on the evidence outlined above, the variant was classified as uncertain significance.

Clinical Genomics Laboratory, Washington University in St. Louis
Classification: Uncertain significance for Polycystic kidney disease, adult type. Last evaluated: 2023-12-05. Review status: criteria provided, single submitter. Criteria: ACMG Guidelines, 2015. Collection method: clinical testing. Allele origin: germline.
Comment: The PKD1 c.2009C>T (p.Thr670Met) variant, to our knowledge, has not been reported in the medical literature. This variant is only observed on 50/1,601,334 alleles the general population (gnomAD v.4.0.0). Computational predictors suggest that the variant does not impact PKD1 function. Due to limited information, and based on ACMG/AMP guidelines for variant interpretation (Richards S et al., PMID: 25741868), the clinical significance of this variant is uncertain at this time.

NM_001009944.3(PKD1):c.2009C>T (p.Thr670Met)

Gene: PKD1 (polycystin 1, transient receptor potential channel interacting; minus strand). Cytogenetic location: 16p13.3.
Variant type: single nucleotide variant.
Coding change: c.2009C>T on transcript NM_001009944.3 (MANE Select); coding-DNA position 2009, C replaced by T.
Protein change: p.Thr670Met; replaces threonine 670 with methionine.
Molecular consequence: missense variant.
Genome position (GRCh38, 1-based): chr16:2,115,466, G>A on the plus strand (C>T on the coding strand, the complement: PKD1 is on the minus strand). VCF-style: chr16-2115466-G-A. GRCh37 (hg19) VCF-style: chr16-2165467-G-A.
Other names: c.2009C>T, p.Thr670Met (NM_000296.4); c.2009C>T (NM_000296.3); short protein forms T670M.
Identifiers: ClinVar variation 3068913 (VCV003068913.4), dbSNP rs377136828, ClinGen allele CA7833320.